The following is an entry in ClinVar:

NM_001972.4(ELANE):c.322G>A (p.Gly108Ser)

Gene: ELANE (elastase, neutrophil expressed; plus strand). Cytogenetic location: 19p13.3.
Variant type: single nucleotide variant.
Coding change: c.322G>A on transcript NM_001972.4 (MANE Select); coding-DNA position 322, G replaced by A.
Protein change: p.Gly108Ser; replaces glycine 108 with serine.
Molecular consequence: missense variant.
Genome position (GRCh38, 1-based): chr19:853,359, G>A. VCF-style: chr19-853359-G-A. GRCh37 (hg19) VCF-style: chr19-853359-G-A.
Other names: short protein forms G108S.
Identifiers: ClinVar variation 5035906 (VCV005035906.1).

ClinVar aggregate classification (germline): Uncertain significance (1 of 4 stars; one submission).

Conditions:
Inborn genetic diseases. Identifiers: MedGen C0950123, MeSH D030342.

Submission:

Ambry Genetics
Classification: Uncertain significance for Inborn genetic diseases. Last evaluated: 2026-08-25. Review status: criteria provided, single submitter. Criteria: Ambry Variant Classification Scheme 2023. Collection method: clinical testing. Allele origin: germline.
Comment: The p.G108S variant (also known as c.322G>A), located in coding exon 3 of the ELANE gene, results from a G to A substitution at nucleotide position 322. The glycine at codon 108 is replaced by serine, an amino acid with similar properties. This amino acid position is conserved. In addition, the in silico prediction for this alteration is inconclusive. Based on the available evidence, the clinical significance of this variant remains unclear.